The following is an entry in ClinVar:

ClinVar aggregate classification (germline): Uncertain significance (1 of 4 stars; one submission).

Conditions:
Hereditary cancer-predisposing syndrome. Also called: Tumor predisposition; Hereditary neoplastic syndrome; Neoplastic Syndromes, Hereditary; Hereditary Cancer Syndrome. Identifiers: Orphanet 140162, MedGen C0027672, MeSH D009386, MONDO:0015356.

Submission:

Ambry Genetics
Classification: Uncertain significance for Hereditary cancer-predisposing syndrome. Last evaluated: 2025-03-28. Review status: criteria provided, single submitter. Criteria: Ambry Variant Classification Scheme 2023. Collection method: clinical testing. Allele origin: germline.
Comment: The p.S520R variant (also known as c.1560T>G), located in coding exon 9 of the DICER1 gene, results from a T to G substitution at nucleotide position 1560. The serine at codon 520 is replaced by arginine, an amino acid with dissimilar properties. This amino acid position is conserved. In addition, this alteration is predicted to be deleterious by in silico analysis. Based on the available evidence, the clinical significance of this variant remains unclear.

NM_177438.3(DICER1):c.1560T>G (p.Ser520Arg)

Gene: DICER1 (dicer 1, ribonuclease III; minus strand). Cytogenetic location: 14q32.13.
Variant type: single nucleotide variant.
Coding change: c.1560T>G on transcript NM_177438.3 (MANE Select); coding-DNA position 1560, T replaced by G.
Protein change: p.Ser520Arg; replaces serine 520 with arginine.
Molecular consequence: missense variant. On other transcripts: non-coding transcript variant (6), intron variant (1).
Genome position (GRCh38, 1-based): chr14:95,116,645, A>C on the plus strand (T>G on the coding strand, the complement: DICER1 is on the minus strand). VCF-style: chr14-95116645-A-C. GRCh37 (hg19) VCF-style: chr14-95582982-A-C.
Other names: c.-59-65T>G (NM_001395697.1); c.1560T>G, p.Ser520Arg (NM_001395682.1, NM_001395683.1, NM_001395684.1 and 12 more transcripts); c.1278T>G, p.Ser426Arg (NM_001395686.1); c.1155T>G, p.Ser385Arg (NM_001395687.1, NM_001395688.1, NM_001395689.1 and 3 more transcripts); c.993T>G, p.Ser331Arg (NM_001395691.1); short protein forms S331R, S426R, S520R, S385R.
Identifiers: ClinVar variation 4011571 (VCV004011571.1).